The following is an entry in ClinVar:

ClinVar aggregate classification (germline): Pathogenic/Likely pathogenic. Review status: criteria provided, multiple submitters, no conflicts (2 of 4 stars). 2 submissions from 2 submitters: Pathogenic (1); Likely pathogenic (1). Last evaluated 2024-12-13.

Conditions:
Granulomatous disease, chronic, autosomal recessive, cytochrome b-negative. Also called: GRANULOMATOUS DISEASE, CHRONIC, AUTOSOMAL RECESSIVE, 4; Chronic granulomatous disease, autosomal, due to deficiency of CYBA; CGD DUE TO DEFICIENCY OF THE ALPHA SUBUNIT OF CYTOCHROME b; CGD, AUTOSOMAL RECESSIVE CYTOCHROME b-NEGATIVE; CYBA DEFICIENCY. Identifiers: Orphanet 379, MedGen C1856255, MONDO:0009308, OMIM 233690.
Chronic granulomatous disease. Identifiers: Orphanet 379, MedGen C0018203, MONDO:0018305.

Submissions (2):

Natera, Inc.
Classification: Likely pathogenic for Chronic granulomatous disease. Last evaluated: 2024-12-13. Review status: criteria provided, single submitter. Criteria: Natera Variant Classification Schema (03/2026). Collection method: clinical testing. Allele origin: germline.
Comment: The c.287+1G>T variant in CYBA is a canonical splice donor site variant predicted to affect pre-mRNA splicing, which may result in an abnormal transcript and altered protein product. This variant is expected to result in nonsense mediated decay, truncation, or a dysfunctional protein product. This variant is rare in the general population with a frequency below the threshold expected for the associated phenotype(s). This variant has been observed in one or more individuals affected with the associated recessive disease, as either homozygous or compound heterozygous with a second variant (PMID: 20407811). Functional studies show that this variant may disrupt protein function (PMID: 20407811). Given the available evidence, this variant is classified as Likely Pathogenic.

Labcorp Genetics (formerly Invitae), Labcorp
Classification: Pathogenic for Granulomatous disease, chronic, autosomal recessive, cytochrome b-negative. Last evaluated: 2022-04-28. Review status: criteria provided, single submitter. Criteria: Invitae Variant Classification Sherloc (09022015). Collection method: clinical testing. Allele origin: germline.
Comment: For these reasons, this variant has been classified as Pathogenic. This variant disrupts a region of the CYBA protein in which other variant(s) (p.Arg90Gln) have been determined to be pathogenic (PMID: 2243141, 29560547, 30470980). This suggests that this is a clinically significant region of the protein, and that variants that disrupt it are likely to be disease-causing. Studies have shown that disruption of this splice site results in skipping of exon 4, but is expected to preserve the integrity of the reading-frame (PMID: 1415254). Disruption of this splice site has been observed in individual(s) with chronic granulomatous disease (PMID: 1415254, 20167518). This variant is not present in population databases (gnomAD no frequency). This sequence change affects a donor splice site in intron 4 of the CYBA gene. RNA analysis indicates that disruption of this splice site induces altered splicing and likely results in a shortened protein product.

Literature cited by the submitters: PubMed 20407811 (cited by Natera, Inc.); PubMed 2243141 (cited by Labcorp Genetics (formerly Invitae), Labcorp); PubMed 29560547 (cited by Labcorp Genetics (formerly Invitae), Labcorp); PubMed 30470980 (cited by Labcorp Genetics (formerly Invitae), Labcorp); PubMed 1415254 (cited by Labcorp Genetics (formerly Invitae), Labcorp); PubMed 20167518 (cited by Labcorp Genetics (formerly Invitae), Labcorp).

NM_000101.4(CYBA):c.287+1G>T

Gene: CYBA (cytochrome b-245 alpha chain; minus strand). Cytogenetic location: 16q24.2.
Variant type: single nucleotide variant.
Coding change: c.287+1G>T on transcript NM_000101.4 (MANE Select); the canonical splice donor site of the intron after coding-DNA position 287, G replaced by T.
Molecular consequence: splice donor variant.
Genome position (GRCh38, 1-based): chr16:88,646,754, C>A on the plus strand (G>T on the coding strand, the complement: CYBA is on the minus strand). VCF-style: chr16-88646754-C-A. GRCh37 (hg19) VCF-style: chr16-88713162-C-A.
Other names: c.287+1G>T (NM_000101.3).
Identifiers: ClinVar variation 2137856 (VCV002137856.5), dbSNP rs1567609091, ClinGen allele CA397064120.